The following is an entry in ClinVar:

NM_194318.4(B3GLCT):c.902A>T (p.Tyr301Phe)

Gene: B3GLCT (beta 3-glucosyltransferase; plus strand). Cytogenetic location: 13q12.3.
Variant type: single nucleotide variant.
Coding change: c.902A>T on transcript NM_194318.4 (MANE Select); coding-DNA position 902, A replaced by T.
Protein change: p.Tyr301Phe; replaces tyrosine 301 with phenylalanine.
Molecular consequence: missense variant.
Genome position (GRCh38, 1-based): chr13:31,284,699, A>T. VCF-style: chr13-31284699-A-T. GRCh37 (hg19) VCF-style: chr13-31858836-A-T.
Other names: short protein forms Y301F.
Identifiers: ClinVar variation 166717 (VCV000166717.57), dbSNP rs114184584, ClinGen allele CA179764.

ClinVar aggregate classification (germline): Benign. Review status: criteria provided, multiple submitters, no conflicts (2 of 4 stars). 5 submissions from 5 submitters: Benign (4). 1 of the submissions does not count toward it. Last evaluated 2026-01-20.

Conditions:
B3GLCT-related disorder. Also called: B3GLCT-related condition.
Peters plus syndrome. Also called: KRAUSE-KIVLIN SYNDROME. Identifiers: Orphanet 709, MedGen C0796012, MONDO:0009856, OMIM 261540.

Allele frequency attached by ClinVar (database versions not stated): gnomAD 0.00034 and 0.00058; TOPMed 0.00068; 1000 Genomes Project 0.00260; 1000 Genomes Project 30x 0.00265.
gnomAD v4.1: 1,015 of 1,611,918 alleles (0.063%); highest among the groups gnomAD compares: East Asian, 2%; 19 homozygotes.

Submissions (5):

Labcorp Genetics (formerly Invitae), Labcorp
Classification: Benign for Peters plus syndrome. Last evaluated: 2026-01-20. Review status: criteria provided, single submitter. Criteria: Invitae Variant Classification Sherloc (09022015). Collection method: clinical testing. Allele origin: germline.

Genetic Services Laboratory, University of Chicago
Classification: Benign. Last evaluated: 2020-05-27. Review status: criteria provided, single submitter. Criteria: ACMG Guidelines, 2015. Collection method: clinical testing. Allele origin: germline. Affected: no.

Illumina Laboratory Services, Illumina
Classification: Benign for Peters plus syndrome. Last evaluated: 2017-04-27. Review status: criteria provided, single submitter. Criteria: ICSL Variant Classification Criteria 13 December 2019. Collection method: clinical testing. Allele origin: germline.
Comment: This variant was observed as part of a predisposition screen in an ostensibly healthy population. A literature search was performed for the gene, cDNA change, and amino acid change (where applicable). No publications were found based on this search. Allele frequency data from public databases was too high to be consistent with this variant causing disease. Therefore, this variant is classified as benign.

Eurofins Ntd Llc (ga)
Classification: Benign. Last evaluated: 2014-02-05. Review status: criteria provided, single submitter. Criteria: EGL Classification Definitions 2015. Collection method: clinical testing. Allele origin: germline. Observed: 1 variant allele, 1 heterozygote.

PreventionGenetics, part of Exact Sciences
Classification: Benign for B3GLCT-related condition. Last evaluated: 2019-04-16. Review status: no assertion criteria provided. Collection method: clinical testing. Allele origin: germline. Not counted in ClinVar's aggregate classification.
Comment: This variant is classified as benign based on ACMG/AMP sequence variant interpretation guidelines (Richards et al. 2015 PMID: 25741868, with internal and published modifications).